The following is an entry in ClinVar:

ClinVar aggregate classification (germline): Likely benign (1 of 4 stars; one submission).

gnomAD v4.1: 2 of 948,256 alleles (0.00021%); highest among the groups gnomAD compares: African/African-American, 0.0034%; 1 homozygote.

Submission:

CeGaT Center for Human Genetics Tuebingen
Classification: Likely benign. Last evaluated: 2026-05-01. Review status: criteria provided, single submitter. Criteria: CeGaT Center For Human Genetics Tuebingen Variant Classification Criteria Version 2. Collection method: clinical testing. Allele origin: germline. Affected: yes. Observed: 1 variant allele.
Comment: LCE3B: BP4, BP7

NM_178433.1(LCE3B):c.195A>C (p.Arg65=)

Gene: LCE3B (late cornified envelope 3B; plus strand). Cytogenetic location: 1q21.3.
Variant type: single nucleotide variant.
Coding change: c.195A>C on transcript NM_178433.1 (MANE Select); coding-DNA position 195, A replaced by C.
Protein change: p.Arg65=; no amino-acid change (arginine 65 retained).
Molecular consequence: synonymous variant.
Genome position (GRCh38, 1-based): chr1:152,614,005, A>C. VCF-style: chr1-152614005-A-C. GRCh37 (hg19) VCF-style: chr1-152586481-A-C.
Identifiers: ClinVar variation 4872790 (VCV004872790.2).